The following is an entry in ClinVar:

NM_199420.4(POLQ):c.1966C>G (p.Pro656Ala)

Gene: POLQ (DNA polymerase theta; minus strand). Cytogenetic location: 3q13.33.
Variant type: single nucleotide variant.
Coding change: c.1966C>G on transcript NM_199420.4 (MANE Select); coding-DNA position 1966, C replaced by G.
Protein change: p.Pro656Ala; replaces proline 656 with alanine.
Molecular consequence: missense variant.
Genome position (GRCh38, 1-based): chr3:121,498,664, G>C on the plus strand (C>G on the coding strand, the complement: POLQ is on the minus strand). VCF-style: chr3-121498664-G-C. GRCh37 (hg19) VCF-style: chr3-121217511-G-C.
Other names: short protein forms P656A.
Identifiers: ClinVar variation 1783524 (VCV001783524.3), dbSNP rs768902097, ClinGen allele CA2563397.

ClinVar aggregate classification (germline): Uncertain significance (1 of 4 stars; one submission).

Allele frequency attached by ClinVar (database versions not stated): gnomAD exomes below 0.00001; ExAC 0.00001.

Submission:

Ambry Genetics
Classification: Uncertain significance. Last evaluated: 2024-08-12. Review status: criteria provided, single submitter. Criteria: Ambry Variant Classification Scheme 2023. Collection method: clinical testing. Allele origin: germline.
Comment: The p.P656A variant (also known as c.1966C>G), located in coding exon 13 of the POLQ gene, results from a C to G substitution at nucleotide position 1966. The proline at codon 656 is replaced by alanine, an amino acid with highly similar properties. This amino acid position is conserved. In addition, the in silico prediction for this alteration is inconclusive. Since supporting evidence is limited at this time, the clinical significance of this alteration remains unclear.